The following is an entry in ClinVar:

ClinVar aggregate classification (germline): Likely benign. Review status: criteria provided, multiple submitters, no conflicts (2 of 4 stars). 3 submissions from 3 submitters: Likely benign (3). Last evaluated 2024-02-11.

Conditions:
DICER1-related tumor predisposition. Also called: DICER1-related pleuropulmonary blastoma cancer predisposition syndrome; DICER1 syndrome. Identifiers: Orphanet 284343, MedGen C3839822, MONDO:0100216.
Hereditary cancer-predisposing syndrome. Also called: Tumor predisposition; Hereditary neoplastic syndrome; Neoplastic Syndromes, Hereditary; Hereditary Cancer Syndrome. Identifiers: Orphanet 140162, MedGen C0027672, MeSH D009386, MONDO:0015356.

Submissions (3):

Labcorp Genetics (formerly Invitae), Labcorp
Classification: Likely benign for DICER1-related tumor predisposition. Last evaluated: 2024-02-11. Review status: criteria provided, single submitter. Criteria: Invitae Variant Classification Sherloc (09022015). Collection method: clinical testing. Allele origin: germline.

Ambry Genetics
Classification: Likely benign for Hereditary cancer-predisposing syndrome. Last evaluated: 2024-02-09. Review status: criteria provided, single submitter. Criteria: Ambry Variant Classification Scheme 2023. Collection method: clinical testing. Allele origin: germline.

Foulkes Cancer Genetics LDI, Lady Davis Institute for Medical Research
Classification: Likely benign. Last evaluated: 2019-07-01. Review status: criteria provided, single submitter. Criteria: ACMG Guidelines, 2015. Collection method: curation. Allele origin: somatic. Affected: yes. Observed: 1 variant allele.
Comment: ACMG criteria met: PM2, BP4, BP7

Literature cited by the submitters: PubMed 28012864 (cited by Foulkes Cancer Genetics LDI, Lady Davis Institute for Medical Research).

NM_177438.3(DICER1):c.1410G>A (p.Glu470=)

Gene: DICER1 (dicer 1, ribonuclease III; minus strand). Cytogenetic location: 14q32.13.
Variant type: single nucleotide variant.
Coding change: c.1410G>A on transcript NM_177438.3 (MANE Select); coding-DNA position 1410, G replaced by A.
Protein change: p.Glu470=; no amino-acid change (glutamic acid 470 retained).
Molecular consequence: synonymous variant.
Genome position (GRCh38, 1-based): chr14:95,117,721, C>T on the plus strand (G>A on the coding strand, the complement: DICER1 is on the minus strand). VCF-style: chr14-95117721-C-T. GRCh37 (hg19) VCF-style: chr14-95584058-C-T.
Other names: c.1410G>A, p.Glu470= (NM_001195573.1, NM_001271282.3, NM_001291628.2 and 1 more transcripts).
Identifiers: ClinVar variation 933097 (VCV000933097.8), dbSNP rs774271782, ClinGen allele CA487631894.